The following is an entry in ClinVar:

ClinVar aggregate classification (germline): Likely benign. Review status: criteria provided, multiple submitters, no conflicts (2 of 4 stars). 2 submissions from 2 submitters: Likely benign (2). Last evaluated 2025-09-17.

Allele frequency attached by ClinVar (database versions not stated): ExAC 0.00001; gnomAD 0.00001; gnomAD exomes 0.00001; TOPMed 0.00001.
gnomAD v4.1: 14 of 1,585,432 alleles (0.00088%); highest among the groups gnomAD compares: African/African-American, 0.0013%; no homozygotes.

Submissions (2):

Labcorp Genetics (formerly Invitae), Labcorp
Classification: Likely benign. Last evaluated: 2025-09-17. Review status: criteria provided, single submitter. Criteria: Invitae Variant Classification Sherloc (09022015). Collection method: clinical testing. Allele origin: germline.

CeGaT Center for Human Genetics Tuebingen
Classification: Likely benign. Last evaluated: 2022-08-01. Review status: criteria provided, single submitter. Criteria: CeGaT Center For Human Genetics Tuebingen Variant Classification Criteria Version 2. Collection method: clinical testing. Allele origin: germline. Affected: yes. Observed: 1 variant allele.
Comment: AHDC1: BP4

NM_001371928.1(AHDC1):c.4179C>T (p.Gly1393=)

Gene: AHDC1 (AT-hook DNA binding motif containing 1; minus strand). Cytogenetic location: 1p36.11.
Variant type: single nucleotide variant.
Coding change: c.4179C>T on transcript NM_001371928.1 (MANE Select); coding-DNA position 4179, C replaced by T.
Protein change: p.Gly1393=; no amino-acid change (glycine 1393 retained).
Molecular consequence: synonymous variant.
Genome position (GRCh38, 1-based): chr1:27,547,937, G>A on the plus strand (C>T on the coding strand, the complement: AHDC1 is on the minus strand). VCF-style: chr1-27547937-G-A. GRCh37 (hg19) VCF-style: chr1-27874448-G-A.
Other names: c.4179C>T, p.Gly1393= (NM_001029882.3).
Identifiers: ClinVar variation 1008327 (VCV001008327.32), dbSNP rs374097223, ClinGen allele CA715415.